The following is an entry in ClinVar:

NC_000016.9:g.(?_2106736)_(2190778_?)del

Genes: MIR1225 (microRNA 1225; minus strand), PKD1 (polycystin 1, transient receptor potential channel interacting; minus strand), TSC2 (TSC complex subunit 2; plus strand). Cytogenetic location: 16p13.3.
Variant type: Deletion.
Identifiers: ClinVar variation 3243484 (VCV003243484.1).

ClinVar aggregate classification (germline): Pathogenic (1 of 4 stars; one submission).

Conditions:
Tuberous sclerosis 2 (TSC2). Identifiers: Orphanet 805, MedGen C1860707, MONDO:0013199, OMIM 613254.

Submission:

Labcorp Genetics (formerly Invitae), Labcorp
Classification: Pathogenic for Tuberous sclerosis 2. Last evaluated: 2022-11-25. Review status: criteria provided, single submitter. Criteria: Invitae Variant Classification Sherloc (09022015). Collection method: clinical testing. Allele origin: unknown.
Comment: For these reasons, this variant has been classified as Pathogenic. This variant disrupts a region of the TSC2 protein in which other variant(s) (p.Glu1552del) have been determined to be pathogenic (PMID: 11112665, 22903760). This suggests that this is a clinically significant region of the protein, and that variants that disrupt it are likely to be disease-causing. This variant has not been reported in the literature in individuals affected with TSC2-related conditions. This variant results in the deletion of exons 9-42 and part of exon 8 (c.740_*52167del) of the TSC2 gene. While this deletion is not anticipated to lead to nonsense mediated decay, it is expected to alter mRNA translation or result in a truncated protein product.

Literature cited by the submitters: PubMed 11112665; PubMed 22903760.